The following is an entry in ClinVar:

NM_014252.4(SLC25A15):c.112C>T (p.Gln38Ter)

Gene: SLC25A15 (solute carrier family 25 member 15; plus strand). Cytogenetic location: 13q14.11.
Variant type: single nucleotide variant.
Coding change: c.112C>T on transcript NM_014252.4 (MANE Select); coding-DNA position 112, C replaced by T.
Protein change: p.Gln38Ter; replaces glutamine 38 with a stop codon.
Molecular consequence: nonsense. On other transcripts: non-coding transcript variant (2).
Genome position (GRCh38, 1-based): chr13:40,799,113, C>T. VCF-style: chr13-40799113-C-T. GRCh37 (hg19) VCF-style: chr13-41373249-C-T.
Other names: short protein forms Q38*.
Identifiers: ClinVar variation 2749333 (VCV002749333.5), dbSNP rs2546917584, ClinGen allele CA387916730.
Genomic context (GRCh38, chr13:40,799,113, plus strand): 5'-GCAGGAGGTACAGCATGTGTACTGACCGGGCAGCCCTTTGACACAATGAAAGTGAAGATG[C>T]AGACGTTCCCTGACCTGTACCGGGGCCTCACCGACTGCTGCCTGAAGACTTACTCCCAGG-3'

ClinVar aggregate classification (germline): Pathogenic/Likely pathogenic. Review status: criteria provided, multiple submitters, no conflicts (2 of 4 stars). 2 submissions from 2 submitters: Pathogenic (1); Likely pathogenic (1). Last evaluated 2023-08-02.

Conditions:
Hyperornithinemia-hyperammonemia-homocitrullinuria syndrome (HHHS). Also called: Ornithine translocase deficiency; HHH SYNDROME. Identifiers: Orphanet 415, MedGen C0268540, MONDO:0009393, OMIM 238970.

Submissions (2):

Labcorp Genetics (formerly Invitae), Labcorp
Classification: Pathogenic for Hyperornithinemia-hyperammonemia-homocitrullinuria syndrome. Last evaluated: 2023-08-02. Review status: criteria provided, single submitter. Criteria: Invitae Variant Classification Sherloc (09022015). Collection method: clinical testing. Allele origin: germline.
Comment: For these reasons, this variant has been classified as Pathogenic. This variant is not present in population databases (gnomAD no frequency). This sequence change creates a premature translational stop signal (p.Gln38*) in the SLC25A15 gene. It is expected to result in an absent or disrupted protein product. Loss-of-function variants in SLC25A15 are known to be pathogenic (PMID: 11552031, 19242930). This variant has not been reported in the literature in individuals affected with SLC25A15-related conditions.

Juno Genomics, Hangzhou Juno Genomics, Inc
Classification: Likely pathogenic for Hyperornithinemia-hyperammonemia-homocitrullinuria syndrome. Review status: criteria provided, single submitter. Criteria: ACMG Guidelines, 2015. Collection method: clinical testing. Allele origin: germline. Affected: yes.
Comment: Absent from controls (or at extremely low frequency if recessive) in Genome Aggregation Database, Exome Sequencing Project, 1000 Genomes Project, or Exome Aggregation Consortium.;Null variant in a gene where loss of function (LOF) is a known mechanism of disease.

Literature cited by the submitters: PubMed 11552031 (cited by Labcorp Genetics (formerly Invitae), Labcorp); PubMed 19242930 (cited by Labcorp Genetics (formerly Invitae), Labcorp).